The following is an entry in ClinVar:

NM_198129.4(LAMA3):c.9103dup (p.Met3035fs)

Gene: LAMA3 (laminin subunit alpha 3; plus strand). Cytogenetic location: 18q11.2.
Variant type: Duplication.
Coding change: c.9103dup on transcript NM_198129.4 (MANE Select); coding-DNA position 9103, one base duplicated (A; older notation c.9103dupA).
Protein change: p.Met3035fs; shifts the reading frame from methionine 3035.
Molecular consequence: frameshift variant.
Genome position (GRCh38, 1-based): chr18:23,943,864, A duplicated. VCF-style (leftmost placement, unchanged base first): chr18-23943863-T-TA. GRCh37 (hg19) VCF-style: chr18-21523827-T-TA.
Other names: c.4276dup, p.Met1426fs (NM_000227.6); c.8935dup, p.Met2979fs (NM_001127717.4); c.4108dup, p.Met1370fs (NM_001127718.4); short protein forms M2979fs, M1426fs, M1370fs, M3035fs.
Identifiers: ClinVar variation 1986125 (VCV001986125.5), dbSNP rs2511637612, ClinGen allele CA2580095527.

ClinVar aggregate classification (germline): Pathogenic. Review status: criteria provided, multiple submitters, no conflicts (2 of 4 stars). 2 submissions from 2 submitters: Pathogenic (2). Last evaluated 2025-08-20.

Conditions:
Junctional epidermolysis bullosa. Identifiers: Orphanet 305, MedGen C0079301, MONDO:0017612.

Submissions (2):

Myriad Genetics, Inc.
Classification: Pathogenic for Junctional epidermolysis bullosa. Last evaluated: 2025-08-20. Review status: criteria provided, single submitter. Criteria: Myriad Autosomal Dominant, Autosomal Recessive and X-Linked Classification Criteria (2023). Collection method: clinical testing. Allele origin: unknown.
Comment: NM_000227.3(LAMA3):c.4276dupA(M1426Nfs*31) is a frameshift variant classified as pathogenic in the context of junctional epidermolysis bullosa, LAMA3-related. M1426Nfs*31 has not been observed in cases with relevant disease. Relevant functional assessments of this variant are not available in the literature. M1426Nfs*31 has not been observed in referenced population frequency databases. In summary, NM_000227.3(LAMA3):c.4276dupA(M1426Nfs*31) is a frameshift variant in a gene where loss of function is a known mechanism of disease and is predicted to disrupt protein function. Please note: this variant was assessed in the context of healthy population screening.

Labcorp Genetics (formerly Invitae), Labcorp
Classification: Pathogenic. Last evaluated: 2023-09-27. Review status: criteria provided, single submitter. Criteria: Invitae Variant Classification Sherloc (09022015). Collection method: clinical testing. Allele origin: germline.
Comment: This sequence change creates a premature translational stop signal (p.Met1426Asnfs*31) in the LAMA3 gene. It is expected to result in an absent or disrupted protein product. Loss-of-function variants in LAMA3 are known to be pathogenic (PMID: 10366601, 11810295, 12915477, 16473856, 17362460, 22434185, 23869449, 27827380, 28087116). This variant is not present in population databases (gnomAD no frequency). This variant has not been reported in the literature in individuals affected with LAMA3-related conditions. ClinVar contains an entry for this variant (Variation ID: 1986125). For these reasons, this variant has been classified as Pathogenic.

Literature cited by the submitters: PubMed 10366601 (cited by Labcorp Genetics (formerly Invitae), Labcorp); PubMed 11810295 (cited by Labcorp Genetics (formerly Invitae), Labcorp); PubMed 12915477 (cited by Labcorp Genetics (formerly Invitae), Labcorp); PubMed 16473856 (cited by Labcorp Genetics (formerly Invitae), Labcorp); PubMed 17362460 (cited by Labcorp Genetics (formerly Invitae), Labcorp); PubMed 22434185 (cited by Labcorp Genetics (formerly Invitae), Labcorp); PubMed 23869449 (cited by Labcorp Genetics (formerly Invitae), Labcorp); PubMed 27827380 (cited by Labcorp Genetics (formerly Invitae), Labcorp); PubMed 28087116 (cited by Labcorp Genetics (formerly Invitae), Labcorp).